The following is an entry in ClinVar:

NM_000836.4(GRIN2D):c.3297_3301del (p.Pro1101fs)

Gene: GRIN2D (glutamate ionotropic receptor NMDA type subunit 2D; plus strand). Cytogenetic location: 19q13.33.
Variant type: Microsatellite.
Coding change: c.3297_3301del on transcript NM_000836.4 (MANE Select); coding-DNA positions 3297 to 3301, 5 bases deleted (GCCGC; older notation c.3297_3301delGCCGC).
Protein change: p.Pro1101fs; shifts the reading frame from proline 1101.
Molecular consequence: frameshift variant.
Genome position (GRCh38, 1-based): chr19:48,443,223-48,443,227, GCCGC deleted; deleting any 5 consecutive bases within chr19:48,443,213-48,443,227 gives the same sequence; the c. name uses the placement nearest the transcript's 3' end. VCF-style (leftmost placement, unchanged base first): chr19-48443212-TGCCGC-T. GRCh37 (hg19) VCF-style: chr19-48946469-TGCCGC-T.
Other names: short protein forms P1101fs.
Identifiers: ClinVar variation 2706607 (VCV002706607.3), dbSNP rs909138325, ClinGen allele CA633886924.

ClinVar aggregate classification (germline): Uncertain significance (1 of 4 stars; one submission).

Submission:

Labcorp Genetics (formerly Invitae), Labcorp
Classification: Uncertain significance. Last evaluated: 2024-01-15. Review status: criteria provided, single submitter. Criteria: Invitae Variant Classification Sherloc (09022015). Collection method: clinical testing. Allele origin: germline.
Comment: This sequence change creates a premature translational stop signal (p.Pro1101Valfs*229) in the GRIN2D gene. While this is not anticipated to result in nonsense mediated decay, it is expected to disrupt the last 236 amino acid(s) of the GRIN2D protein. The frequency data for this variant in the population databases is considered unreliable, as metrics indicate insufficient coverage at this position in the gnomAD database. This variant has not been reported in the literature in individuals affected with GRIN2D-related conditions. Experimental studies and prediction algorithms are not available or were not evaluated, and the functional significance of this variant is currently unknown. In summary, the available evidence is currently insufficient to determine the role of this variant in disease. Therefore, it has been classified as a Variant of Uncertain Significance.